The following is an entry in ClinVar:

NM_002972.4(SBF1):c.347T>A (p.Leu116Gln)

Gene: SBF1 (SET binding factor 1; minus strand). Cytogenetic location: 22q13.33.
Variant type: single nucleotide variant.
Coding change: c.347T>A on transcript NM_002972.4 (MANE Select); coding-DNA position 347, T replaced by A.
Protein change: p.Leu116Gln; replaces leucine 116 with glutamine.
Molecular consequence: missense variant.
Genome position (GRCh38, 1-based): chr22:50,467,623, A>T on the plus strand (T>A on the coding strand, the complement: SBF1 is on the minus strand). VCF-style: chr22-50467623-A-T. GRCh37 (hg19) VCF-style: chr22-50906052-A-T.
Other names: c.350T>A, p.Leu117Gln (NM_001365819.1); short protein forms L116Q, L117Q.
Identifiers: ClinVar variation 1416870 (VCV001416870.8), dbSNP rs371457784, ClinGen allele CA10318124.

ClinVar aggregate classification (germline): Uncertain significance (1 of 4 stars; one submission).

Allele frequency attached by ClinVar (database versions not stated): gnomAD exomes below 0.00001; ExAC 0.00001; gnomAD 0.00001; ESP Exome Variant Server 0.00008.
gnomAD v4.1: 5 of 1,590,872 alleles (0.00031%); highest among the groups gnomAD compares: African/African-American, 0.0054%; no homozygotes.

Submission:

Labcorp Genetics (formerly Invitae), Labcorp
Classification: Uncertain significance. Last evaluated: 2021-05-17. Review status: criteria provided, single submitter. Criteria: Invitae Variant Classification Sherloc (09022015). Collection method: clinical testing. Allele origin: germline.
Comment: This variant has not been reported in the literature in individuals with SBF1-related conditions. This variant is present in population databases (rs371457784, ExAC 0.01%). This sequence change replaces leucine with glutamine at codon 116 of the SBF1 protein (p.Leu116Gln). The leucine residue is weakly conserved and there is a moderate physicochemical difference between leucine and glutamine. In summary, the available evidence is currently insufficient to determine the role of this variant in disease. Therefore, it has been classified as a Variant of Uncertain Significance. Algorithms developed to predict the effect of missense changes on protein structure and function (SIFT, PolyPhen-2, Align-GVGD) all suggest that this variant is likely to be tolerated, but these predictions have not been confirmed by published functional studies and their clinical significance is uncertain.